The following is an entry in ClinVar:

ClinVar aggregate classification (germline): Uncertain significance (1 of 4 stars; one submission).

Submission:

GeneDx
Classification: Uncertain significance. Last evaluated: 2024-08-18. Review status: criteria provided, single submitter. Criteria: GeneDx Variant Classification Process June 2021. Collection method: clinical testing. Allele origin: germline. Affected: yes.
Comment: Not observed at significant frequency in large population cohorts (gnomAD); In silico analysis supports that this missense variant has a deleterious effect on protein structure/function; Has not been previously published as pathogenic or benign to our knowledge

NM_024757.5(EHMT1):c.1022G>A (p.Gly341Glu)

Gene: EHMT1 (euchromatic histone lysine methyltransferase 1; plus strand). Cytogenetic location: 9q34.3.
Variant type: single nucleotide variant.
Coding change: c.1022G>A on transcript NM_024757.5 (MANE Select); coding-DNA position 1022, G replaced by A.
Protein change: p.Gly341Glu; replaces glycine 341 with glutamic acid.
Molecular consequence: missense variant.
Genome position (GRCh38, 1-based): chr9:137,743,942, G>A. VCF-style: chr9-137743942-G-A. GRCh37 (hg19) VCF-style: chr9-140638394-G-A.
Other names: c.1022G>A, p.Gly341Glu (NM_001145527.2, NM_001354611.2); c.929G>A, p.Gly310Glu (NM_001354259.2, NM_001354612.2); c.1001G>A, p.Gly334Glu (NM_001354263.2); short protein forms G310E, G334E, G341E.
Identifiers: ClinVar variation 3764262 (VCV003764262.1).